The following is an entry in ClinVar:

NM_006005.3(WFS1):c.2029G>A (p.Ala677Thr)

Gene: WFS1 (wolframin ER transmembrane glycoprotein; plus strand). Cytogenetic location: 4p16.1.
Variant type: single nucleotide variant.
Coding change: c.2029G>A on transcript NM_006005.3 (MANE Select); coding-DNA position 2029, G replaced by A.
Protein change: p.Ala677Thr; replaces alanine 677 with threonine.
Molecular consequence: missense variant.
Genome position (GRCh38, 1-based): chr4:6,301,824, G>A. VCF-style: chr4-6301824-G-A. GRCh37 (hg19) VCF-style: chr4-6303551-G-A.
Other names: c.2029G>A, p.Ala677Thr (NM_001145853.1); short protein forms A677T.
Identifiers: ClinVar variation 198834 (VCV000198834.30), dbSNP rs757027394, ClinGen allele CA247673.

ClinVar aggregate classification (germline): Uncertain significance/Uncertain risk allele. Review status: criteria provided, multiple submitters, no conflicts (2 of 4 stars). 12 submissions from 12 submitters: Uncertain significance (9); Uncertain risk allele (1). 2 of the submissions do not count toward it. Last evaluated 2025-10-15.

Conditions:
Childhood onset hearing loss.
WFS1-related disorder. Identifiers: MedGen CN379391, MONDO:0700293.
Cataract 41 (CTRCT41). Also called: CATARACT 41, CONGENITAL NUCLEAR TYPE. Identifiers: Orphanet 91492, Orphanet 98991, Orphanet 98992, Orphanet 98995, MedGen C3805412, MONDO:0007287, OMIM 116400.
Autosomal dominant nonsyndromic hearing loss 6 (LFSNHL). Also called: Autosomal dominant nonsyndromic deafness 6; DEAFNESS, AUTOSOMAL DOMINANT 6; DEAFNESS, AUTOSOMAL DOMINANT 14; DEAFNESS, AUTOSOMAL DOMINANT 38. Identifiers: Orphanet 90635, MedGen C1833021, MONDO:0010963, OMIM 600965.
Type 2 diabetes mellitus. Also called: Type II diabetes mellitus. Identifiers: MedGen C0011860, MeSH D003924, MONDO:0005148, OMIM 125853, HP:0005978.
Wolfram-like syndrome. Also called: HEARING LOSS, PROGRESSIVE, WITH OPTIC ATROPHY AND/OR IMPAIRED GLUCOSE REGULATION. Identifiers: Orphanet 411590, MedGen C3280358, MONDO:0013673, OMIM 614296.
Wolfram syndrome 1 (WFS1). Identifiers: Orphanet 3463, MedGen C4551693, MONDO:0009101, OMIM 222300.
Retinal dystrophy. Also called: Inherited retinal dystrophy. Identifiers: Orphanet 71862, MedGen C0854723, MeSH D058499, MONDO:0019118, HP:0000556.

Allele frequency attached by ClinVar (database versions not stated): gnomAD 0.00004 and 0.00005; ExAC 0.00008; TOPMed 0.00008; gnomAD exomes 0.00009.
gnomAD v4.1: 93 of 1,613,032 alleles (0.0058%); highest among the groups gnomAD compares: East Asian, 0.011%; no homozygotes.

Submissions (12):

GeneDx
Classification: Uncertain significance. Last evaluated: 2025-10-15. Review status: criteria provided, single submitter. Criteria: GeneDx Variant Classification Process June 2021. Collection method: clinical testing. Allele origin: germline.
Comment: In silico analysis suggests that this missense variant does not alter protein structure/function; This variant is associated with the following publications: (PMID: 34837038, 26969326, 34426522, 33046911, 36570450)

PreventionGenetics, part of Exact Sciences
Classification: Uncertain significance for WFS1-related condition. Last evaluated: 2025-09-19. Review status: criteria provided, single submitter. Criteria: ACMG Guidelines, 2015. Collection method: clinical testing. Allele origin: germline.
Comment: The WFS1 c.2029G>A variant is predicted to result in the amino acid substitution p.Ala677Thr. This variant has been reported in multiple individuals with hearing loss (Table S3, Sloan-Heggen et al. 2016. PubMed ID: 26969326; Table 1, Adeyemo et al. 2021. PubMed ID: 34837038; Sun et al. 2022. PubMed ID: 36570450). This variant has also been identified in an affected individual from a type 2 diabetes cohort study (Table S3, Bonnefond et al. 2020. PubMed ID: 33046911). This variant is reported in 0.016% of alleles in individuals of East Asian descent in gnomAD. At this time, the clinical significance of this variant is uncertain due to the absence of conclusive functional and genetic evidence.

Labcorp Genetics (formerly Invitae), Labcorp
Classification: Uncertain significance. Last evaluated: 2025-09-08. Review status: criteria provided, single submitter. Criteria: Invitae Variant Classification Sherloc (09022015). Collection method: clinical testing. Allele origin: germline.
Comment: This sequence change replaces alanine, which is neutral and non-polar, with threonine, which is neutral and polar, at codon 677 of the WFS1 protein (p.Ala677Thr). This variant is present in population databases (rs757027394, gnomAD 0.02%). This missense change has been observed in individual(s) with clinical features of WFS1-related conditions (PMID: 26969326, 33046911, 34837038). ClinVar contains an entry for this variant (Variation ID: 198834). Invitae Evidence Modeling of protein sequence and biophysical properties (such as structural, functional, and spatial information, amino acid conservation, physicochemical variation, residue mobility, and thermodynamic stability) has been performed for this missense variant. However, the output from this modeling did not meet the statistical confidence thresholds required to predict the impact of this variant on WFS1 protein function. In summary, the available evidence is currently insufficient to determine the role of this variant in disease. Therefore, it has been classified as a Variant of Uncertain Significance.

Blueprint Genetics
Classification: Uncertain significance. Last evaluated: 2024-06-28. Review status: criteria provided, single submitter. Criteria: ACMG Guidelines, 2015. Collection method: clinical testing. Allele origin: germline.

Fulgent Genetics
Classification: Uncertain significance for Cataract 41; Type 2 diabetes mellitus; Wolfram syndrome 1; Autosomal dominant nonsyndromic hearing loss 6; Wolfram-like syndrome. Last evaluated: 2024-04-20. Review status: criteria provided, single submitter. Criteria: ACMG Guidelines, 2015. Collection method: clinical testing. Allele origin: germline.

Women's Health and Genetics/Laboratory Corporation of America, LabCorp
Classification: Uncertain significance. Last evaluated: 2024-03-26. Review status: criteria provided, single submitter. Criteria: LabCorp Variant Classification Summary - May 2015. Collection method: clinical testing. Allele origin: germline.
Comment: Variant summary: WFS1 c.2029G>A (p.Ala677Thr) results in a non-conservative amino acid change in the encoded protein sequence. Five of five in-silico tools predict a damaging effect of the variant on protein function. The variant allele was found at a frequency of 8.8e-05 in 250488 control chromosomes (i.e. in 22 carriers) in the gnomAD database (v2.1 dataset). The variant, c.2029G>A, has been reported in the literature in heterozygous state in individuals affected with nonsyndromic hearing loss and type 2 diabetes (e.g. Sloan-Heggen_2016, Bonnefond_2020, Adeyemo_2021). These reports do not provide unequivocal conclusions about association of the variant with Wolfram Syndrome 1. To our knowledge, no experimental evidence demonstrating an impact on protein function has been reported. The following publications have been ascertained in the context of this evaluation (PMID: 26969326, 33046911, 34837038). ClinVar contains an entry for this variant (Variation ID: 198834). Based on the evidence outlined above, the variant was classified as uncertain significance.

National Institute on Deafness and Communication Disorders, National Institutes of Health
Classification: Uncertain significance for Childhood onset hearing loss. Last evaluated: 2021-07-08. Review status: criteria provided, single submitter. Criteria: ClinGen HL ACMG Specifications v1. Collection method: research. Allele origin: germline. Inheritance: Autosomal dominant inheritance. Affected: yes. Observed: 1 heterozygote. Segregation with disease not observed.
Comment: PP3 / Modifications from PMID: 30311386 for classification: The genetic causes of hearing loss have not yet been well characterized in the Yoruba population, and the information regarding variant MAF in this population is still limited, so we did not exclude any variant based on their "high" MAF. PP3 criteria was applied even if the REVEL score was below 0.7, if at least two of the pathogenicity prediction algorithms used predicted that the variant was damaging or likely damaging.

Institute of Human Genetics, Univ. Regensburg, Univ. Regensburg
Classification: Uncertain significance for Retinal dystrophy. Last evaluated: 2021-01-01. Review status: criteria provided, single submitter. Criteria: ACMG Guidelines, 2015. Collection method: clinical testing. Allele origin: germline. Affected: yes.

Eurofins Ntd Llc (ga)
Classification: Uncertain significance. Last evaluated: 2014-11-07. Review status: criteria provided, single submitter. Criteria: EGL Classification Definitions 2015. Collection method: clinical testing. Allele origin: germline. Observed: 2 variant alleles, 2 heterozygotes.

Clinical Genomics, Uppaluri K&H Personalized Medicine Clinic
Classification: Uncertain risk allele for Wolfram syndrome 1. Review status: criteria provided, single submitter. Criteria: K & H Uppaluri Personalized Medicine Clinic Variant Classification & Assertion Criteria_Updated V.1. Collection method: research. Allele origin: unknown. Inheritance: Autosomal recessive inheritance.
Comment: Potent mutations in WFS1 gene are associated with Wolfram's syndrome, an autosomal recessive condition, which cause diabetes mellitus, diabetes insipidus, deafness and optic atrophy.However no sufficient evidence is found to ascertain the role of this particular variant rs757027394 in Wolfram's syndrome yet.

Clinical Genetics DNA and cytogenetics Diagnostics Lab, Erasmus MC, Erasmus Medical Center
Classification: Uncertain significance. Review status: no assertion criteria provided. Collection method: clinical testing. Allele origin: germline. Affected: yes. Study: VKGL Data-share Consensus. Not counted in ClinVar's aggregate classification.

Laboratory of Diagnostic Genome Analysis, Leiden University Medical Center (LUMC)
Classification: Uncertain significance. Review status: no assertion criteria provided. Collection method: clinical testing. Allele origin: germline. Affected: yes. Study: VKGL Data-share Consensus. Not counted in ClinVar's aggregate classification.

Literature cited by the submitters: PubMed 26969326 (cited by 3 submitters); PubMed 33046911 (cited by 3 submitters); PubMed 34837038 (cited by Labcorp Genetics (formerly Invitae), Labcorp and Women's Health and Genetics/Laboratory Corporation of America, LabCorp); PubMed 34426522 (cited by Institute of Human Genetics, Univ. Regensburg, Univ. Regensburg); PubMed 20738327 (cited by Clinical Genomics, Uppaluri K&H Personalized Medicine Clinic); PubMed 33879153 (cited by Clinical Genomics, Uppaluri K&H Personalized Medicine Clinic); PubMed 12955714 (cited by Clinical Genomics, Uppaluri K&H Personalized Medicine Clinic); PubMed 18060660 (cited by Clinical Genomics, Uppaluri K&H Personalized Medicine Clinic); PubMed 20301750 (cited by Clinical Genomics, Uppaluri K&H Personalized Medicine Clinic); PubMed 17603484 (cited by Clinical Genomics, Uppaluri K&H Personalized Medicine Clinic).